The following is an entry in ClinVar:

NM_001126108.2(SLC12A3):c.933del (p.Asp311fs)

Gene: SLC12A3 (solute carrier family 12 member 3; plus strand). Cytogenetic location: 16q13.
Variant type: Deletion.
Coding change: c.933del on transcript NM_001126108.2 (MANE Select); coding-DNA position 933, one base deleted (C; older notation c.933delC).
Protein change: p.Asp311fs; shifts the reading frame from aspartic acid 311.
Molecular consequence: frameshift variant.
Genome position (GRCh38, 1-based): chr16:56,872,431, C deleted. VCF-style (leftmost placement, unchanged base first): chr16-56872430-AC-A. GRCh37 (hg19) VCF-style: chr16-56906342-AC-A.
Other names: c.933del, p.Asp311fs (NM_000339.3); c.930del, p.Asp310fs (NM_001126107.2, NM_001410896.1); short protein forms D310fs, D311fs.
Identifiers: ClinVar variation 2706413 (VCV002706413.3), dbSNP rs2543487699, ClinGen allele CA2697555861.

ClinVar aggregate classification (germline): Pathogenic (1 of 4 stars; one submission).

Submission:

Labcorp Genetics (formerly Invitae), Labcorp
Classification: Pathogenic. Last evaluated: 2023-12-30. Review status: criteria provided, single submitter. Criteria: Invitae Variant Classification Sherloc (09022015). Collection method: clinical testing. Allele origin: germline.
Comment: This sequence change creates a premature translational stop signal (p.Asp311Glufs*59) in the SLC12A3 gene. It is expected to result in an absent or disrupted protein product. Loss-of-function variants in SLC12A3 are known to be pathogenic (PMID: 20848653, 22009145, 25841442). This variant is not present in population databases (gnomAD no frequency). This variant has not been reported in the literature in individuals affected with SLC12A3-related conditions. For these reasons, this variant has been classified as Pathogenic.

Literature cited by the submitters: PubMed 20848653; PubMed 22009145; PubMed 25841442.